The following is an entry in ClinVar:

ClinVar aggregate classification (germline): Uncertain significance (1 of 4 stars; one submission).

Conditions:
Neuronal ceroid lipofuscinosis. Also called: Neuronal Ceroid Lipofuscinoses. Identifiers: Orphanet 216, Orphanet 79263, MedGen C0027877, MONDO:0016295. Disease mechanism: loss of function.

Submission:

Labcorp Genetics (formerly Invitae), Labcorp
Classification: Uncertain significance for Neuronal ceroid lipofuscinosis. Last evaluated: 2022-06-19. Review status: criteria provided, single submitter. Criteria: Invitae Variant Classification Sherloc (09022015). Collection method: clinical testing. Allele origin: germline.
Comment: In summary, the available evidence is currently insufficient to determine the role of this variant in disease. Therefore, it has been classified as a Variant of Uncertain Significance. Algorithms developed to predict the effect of missense changes on protein structure and function are either unavailable or do not agree on the potential impact of this missense change (SIFT: "Deleterious"; PolyPhen-2: "Possibly Damaging"; Align-GVGD: "Class C0"). This variant has not been reported in the literature in individuals affected with CLN5-related conditions. This variant is not present in population databases (gnomAD no frequency). This sequence change replaces proline, which is neutral and non-polar, with threonine, which is neutral and polar, at codon 9 of the CLN5 protein (p.Pro9Thr).

NC_000013.11:g.76991976C>A

Gene: CLN5 (CLN5 lysosomal BMP synthase; plus strand). Cytogenetic location: 13q22.3.
Variant type: single nucleotide variant.
Molecular consequence: missense variant (on NM_006493.2).
Genome position: GRCh38 VCF-style: chr13-76991976-C-A. GRCh37 (hg19) VCF-style: chr13-77566111-C-A.
Other names: c.25C>A, p.Pro9Thr (NM_006493.2); short protein forms P9T.
Identifiers: ClinVar variation 2415686 (VCV002415686.4), dbSNP rs767048749, ClinGen allele CA388305628.
Genomic context (GRCh38, chr13:76,991,976, plus strand): 5'-GTGGAAGCCGCCGCGGGCCGGGCGCGGGGAGGTGTCATGCGCCGGAACCTGCGCTTGGGG[C>A]CAAGCTCTGGAGCTGACGCGCAGGGGCAAGGCGCCCCGCGTCCCGGACTGGCGGCTCCGC-3'